The following is an entry in ClinVar:

NM_002677.5(PMP2):c.316A>G (p.Lys106Glu)

Gene: PMP2 (peripheral myelin protein 2; minus strand). Cytogenetic location: 8q21.13.
Variant type: single nucleotide variant.
Coding change: c.316A>G on transcript NM_002677.5 (MANE Select); coding-DNA position 316, A replaced by G.
Protein change: p.Lys106Glu; replaces lysine 106 with glutamic acid.
Molecular consequence: missense variant.
Genome position (GRCh38, 1-based): chr8:81,444,532, T>C on the plus strand (A>G on the coding strand, the complement: PMP2 is on the minus strand). VCF-style: chr8-81444532-T-C. GRCh37 (hg19) VCF-style: chr8-82356767-T-C.
Other names: c.143A>G, p.Lys48Arg (NM_001348381.2); short protein forms K106E, K48R.
Identifiers: ClinVar variation 2843285 (VCV002843285.3), dbSNP rs2487480965, ClinGen allele CA371517178.

ClinVar aggregate classification (germline): Uncertain significance (1 of 4 stars; one submission).

Submission:

Labcorp Genetics (formerly Invitae), Labcorp
Classification: Uncertain significance. Last evaluated: 2023-03-07. Review status: criteria provided, single submitter. Criteria: Invitae Variant Classification Sherloc (09022015). Collection method: clinical testing. Allele origin: germline.
Comment: This sequence change replaces lysine, which is basic and polar, with glutamic acid, which is acidic and polar, at codon 106 of the PMP2 protein (p.Lys106Glu). This variant is not present in population databases (gnomAD no frequency). This variant has not been reported in the literature in individuals affected with PMP2-related conditions. An algorithm developed to predict the effect of missense changes on protein structure and function (PolyPhen-2) suggests that this variant is likely to be tolerated. In summary, the available evidence is currently insufficient to determine the role of this variant in disease. Therefore, it has been classified as a Variant of Uncertain Significance.